The following is an entry in ClinVar:

NM_006445.4(PRPF8):c.5506-5T>G

Gene: PRPF8 (pre-mRNA processing factor 8; minus strand). Cytogenetic location: 17p13.3.
Variant type: single nucleotide variant.
Coding change: c.5506-5T>G on transcript NM_006445.4 (MANE Select); 5 bases into the intron before coding-DNA position 5506, T replaced by G.
Molecular consequence: intron variant.
Genome position (GRCh38, 1-based): chr17:1,656,766, A>C on the plus strand (T>G on the coding strand, the complement: PRPF8 is on the minus strand). VCF-style: chr17-1656766-A-C. GRCh37 (hg19) VCF-style: chr17-1560060-A-C.
Identifiers: ClinVar variation 1314755 (VCV001314755.2), dbSNP rs2151113236, ClinGen allele CA2573054331.

ClinVar aggregate classification (germline): Uncertain significance (1 of 4 stars; one submission).

Submission:

GeneDx
Classification: Uncertain significance. Last evaluated: 2021-04-22. Review status: criteria provided, single submitter. Criteria: GeneDx Variant Classification Process June 2021. Collection method: clinical testing. Allele origin: germline. Affected: yes.
Comment: Not observed in large population cohorts (Lek et al., 2016); Has not been previously published as pathogenic or benign to our knowledge; In-silico analysis, which includes splice predictors and evolutionary conservation, is inconclusive as to whether the variant alters gene splicing. In the absence of RNA/functional studies, the actual effect of this sequence change is unknown.